The following is an entry in ClinVar:

ClinVar aggregate classification (germline): Conflicting classifications of pathogenicity. Review status: criteria provided, conflicting classifications (1 of 4 stars). 7 submissions from 7 submitters: Uncertain significance (3); Likely benign (2). 2 of the submissions do not count toward it. Last evaluated 2025-12-01.

Conditions:
Hereditary breast ovarian cancer syndrome. Also called: Hereditary breast and ovarian cancer syndrome; Hereditary breast and ovarian cancer; Hereditary breast and ovarian cancer syndrome (HBOC); Breast and ovarian cancer; Hereditary breast and/or ovarian cancer syndrome; BRCA1- and BRCA2-Associated Hereditary Breast and Ovarian Cancer. Identifiers: Orphanet 145, MedGen C0677776, MeSH D061325, MONDO:0003582. Disease mechanism: loss of function.
Breast-ovarian cancer, familial, susceptibility to, 2 (BROVCA2). Also called: BRCA2 Hereditary Breast and Ovarian Cancer. Identifiers: Orphanet 145, MedGen C2675520, MONDO:0012933, OMIM 612555. Disease mechanism: loss of function.
Hereditary cancer-predisposing syndrome. Also called: Neoplastic Syndromes, Hereditary; Tumor predisposition; Hereditary Cancer Syndrome; Hereditary neoplastic syndrome. Identifiers: Orphanet 140162, MedGen C0027672, MeSH D009386, MONDO:0015356.

Allele frequency attached by ClinVar (database versions not stated): gnomAD below 0.00001 and 0.00001; gnomAD exomes below 0.00001 and 0.00001; ExAC 0.00001.
gnomAD v4.1: 10 of 1,606,230 alleles (0.00062%); highest among the groups gnomAD compares: South Asian, 0.011%; no homozygotes.

Submissions (7):

Labcorp Genetics (formerly Invitae), Labcorp
Classification: Uncertain significance for Hereditary breast ovarian cancer syndrome. Last evaluated: 2025-12-01. Review status: criteria provided, single submitter. Criteria: Invitae Variant Classification Sherloc (09022015). Collection method: clinical testing. Allele origin: germline.
Comment: This sequence change replaces histidine, which is basic and polar, with arginine, which is basic and polar, at codon 1071 of the BRCA2 protein (p.His1071Arg). This variant is present in population databases (rs80358565, gnomAD 0.003%). This variant has not been reported in the literature in individuals affected with BRCA2-related conditions. ClinVar contains an entry for this variant (Variation ID: 51425). Invitae Evidence Modeling of protein sequence and biophysical properties (such as structural, functional, and spatial information, amino acid conservation, physicochemical variation, residue mobility, and thermodynamic stability) indicates that this missense variant is not expected to disrupt BRCA2 protein function with a negative predictive value of 95%. In summary, the available evidence is currently insufficient to determine the role of this variant in disease. Therefore, it has been classified as a Variant of Uncertain Significance.

Color Diagnostics, LLC DBA Color Health
Classification: Uncertain significance for Hereditary cancer-predisposing syndrome. Last evaluated: 2025-09-10. Review status: criteria provided, single submitter. Criteria: ACMG Guidelines, 2015. Collection method: clinical testing. Allele origin: germline.
Comment: This missense variant replaces histidine with arginine at codon 1071 of the BRCA2 protein. Computational prediction suggests that this variant may not impact protein structure and function. To our knowledge, functional studies have not been reported for this variant. This variant has not been reported in individuals affected with hereditary cancer in the literature. This variant has been identified in 2/276828 chromosomes in the general population by the Genome Aggregation Database (gnomAD). The available evidence is insufficient to determine the role of this variant in disease conclusively. Therefore, this variant is classified as a Variant of Uncertain Significance.

Quest Diagnostics Nichols Institute San Juan Capistrano
Classification: Uncertain significance. Last evaluated: 2024-10-25. Review status: criteria provided, single submitter. Criteria: Quest Diagnostics criteria. Collection method: clinical testing. Allele origin: unknown.
Comment: The BRCA2 c.3212A>G (p.His1071Arg) variant has not been reported in individuals with BRCA2-related conditions in the published literature. However, the variant has been described to be located in a region of the BRCA2 gene that is tolerant to missense sequence changes (PMID: 31911673 (2020)). The frequency of this variant in the general population, 0.0000072 (2/276828 chromosomes (Genome Aggregation Database)), is uninformative in the assessment of its pathogenicity. Analysis of this variant using bioinformatics tools for the prediction of the effect of amino acid changes on protein structure and function yielded predictions that this variant is benign. Based on the available information, we are unable to determine the clinical significance of this variant.

Ambry Genetics
Classification: Likely benign for Hereditary cancer-predisposing syndrome. Last evaluated: 2023-12-21. Review status: criteria provided, single submitter. Criteria: Ambry Variant Classification Scheme 2023. Collection method: clinical testing. Allele origin: germline.

University of Washington Department of Laboratory Medicine, University of Washington
Classification: Likely benign for Hereditary cancer-predisposing syndrome. Last evaluated: 2023-03-23. Review status: criteria provided, single submitter. Criteria: Dines et al. (Genet Med. 2020). Collection method: curation. Allele origin: germline.
Comment: Missense variant in a coldspot region where missense variants are very unlikely to be pathogenic (PMID:31911673).

BRCA2 exon 11 coldspot. Reclassification based on statistical prior probability.

Sharing Clinical Reports Project (SCRP)
Classification: Uncertain significance for Breast-ovarian cancer, familial 2. Last evaluated: 2012-09-21. Review status: no assertion criteria provided. Collection method: clinical testing. Allele origin: germline. Not counted in ClinVar's aggregate classification.

Breast Cancer Information Core (BIC) (BRCA2)
Classification: Uncertain significance for Breast-ovarian cancer, familial 2. Last evaluated: 2004-02-20. Review status: no assertion criteria provided. Collection method: clinical testing. Allele origin: germline. Affected: yes. Observed: 1 variant allele. Not counted in ClinVar's aggregate classification.

Literature cited by the submitters: PubMed 31911673 (cited by Quest Diagnostics Nichols Institute San Juan Capistrano).

NM_000059.4(BRCA2):c.3212A>G (p.His1071Arg)

Gene: BRCA2 (BRCA2 DNA repair associated; plus strand). Cytogenetic location: 13q13.1.
Variant type: single nucleotide variant.
Coding change: c.3212A>G on transcript NM_000059.4 (MANE Select); coding-DNA position 3212, A replaced by G.
Protein change: p.His1071Arg; replaces histidine 1071 with arginine.
Molecular consequence: missense variant.
Genome position (GRCh38, 1-based): chr13:32,337,567, A>G. VCF-style: chr13-32337567-A-G. GRCh37 (hg19) VCF-style: chr13-32911704-A-G.
Other names: 3440A>G; short protein forms H1071R.
Identifiers: ClinVar variation 51425 (VCV000051425.22), dbSNP rs80358565, ClinGen allele CA017566.
Genomic context (GRCh38, chr13:32,337,567, plus strand): 5'-TGGCATTAGATAATCAAAAGAAACTGAGCAAGCCTCAGTCAATTAATACTGTATCTGCAC[A>G]TTTACAGAGTAGTGTAGTTGTTTCTGATTGTAAAAATAGTCATATAACCCCTCAGATGTT-3'
Protein context (NP_000050.3, residues 1061-1081): KPQSINTVSA[His1071Arg]LQSSVVVSDC